The following is an entry in ClinVar:

ClinVar aggregate classification (germline): Conflicting classifications of pathogenicity. Review status: criteria provided, conflicting classifications (1 of 4 stars). 6 submissions from 6 submitters: Uncertain significance (1); Benign (3); Likely benign (1). 1 of the submissions does not count toward it. Last evaluated 2026-09-01.

Conditions:
EHMT1-related disorder. Also called: EHMT1-related condition.
Inborn genetic diseases. Identifiers: MedGen C0950123, MeSH D030342.
Kleefstra syndrome 1 (KLEFS1). Identifiers: Orphanet 261494, MedGen C0795833, MONDO:0027407, OMIM 610253.

Allele frequency attached by ClinVar (database versions not stated): gnomAD 0.00005 and 0.00006; TOPMed 0.00011.
gnomAD v4.1: 125 of 1,613,998 alleles (0.0077%); highest among the groups gnomAD compares: Admixed American, 0.13%; no homozygotes.

Submissions (6):

CeGaT Center for Human Genetics Tuebingen
Classification: Likely benign. Last evaluated: 2026-09-01. Review status: criteria provided, single submitter. Criteria: CeGaT Center For Human Genetics Tuebingen Variant Classification Criteria Version 2. Collection method: clinical testing. Allele origin: germline. Affected: yes. Observed: 2 variant alleles.
Comment: EHMT1: BP4, BP7, BS1

Labcorp Genetics (formerly Invitae), Labcorp
Classification: Benign for Kleefstra syndrome 1. Last evaluated: 2025-12-21. Review status: criteria provided, single submitter. Criteria: Invitae Variant Classification Sherloc (09022015). Collection method: clinical testing. Allele origin: germline.

GeneDx
Classification: Benign. Last evaluated: 2020-02-04. Review status: criteria provided, single submitter. Criteria: GeneDx Variant Classification Process June 2021. Collection method: clinical testing. Allele origin: germline. Affected: yes.

Ambry Genetics
Classification: Benign for Inborn genetic diseases. Last evaluated: 2019-09-30. Review status: criteria provided, single submitter. Criteria: Ambry Variant Classification Scheme 2023. Collection method: clinical testing. Allele origin: germline.

Eurofins Ntd Llc (ga)
Classification: Uncertain significance. Last evaluated: 2016-11-15. Review status: criteria provided, single submitter. Criteria: EGL Classification Definitions 2015. Collection method: clinical testing. Allele origin: germline. Observed: 1 variant allele, 1 heterozygote.

PreventionGenetics, part of Exact Sciences
Classification: Likely benign for EHMT1-related condition. Last evaluated: 2022-04-04. Review status: no assertion criteria provided. Collection method: clinical testing. Allele origin: germline. Not counted in ClinVar's aggregate classification.
Comment: This variant is classified as likely benign based on ACMG/AMP sequence variant interpretation guidelines (Richards et al. 2015 PMID: 25741868, with internal and published modifications).

NM_024757.5(EHMT1):c.2442C>T (p.Ala814=)

Gene: EHMT1 (euchromatic histone lysine methyltransferase 1; plus strand). Cytogenetic location: 9q34.3.
Variant type: single nucleotide variant.
Coding change: c.2442C>T on transcript NM_024757.5 (MANE Select); coding-DNA position 2442, C replaced by T.
Protein change: p.Ala814=; no amino-acid change (alanine 814 retained).
Molecular consequence: synonymous variant.
Genome position (GRCh38, 1-based): chr9:137,790,907, C>T. VCF-style: chr9-137790907-C-T. GRCh37 (hg19) VCF-style: chr9-140685359-C-T.
Other names: c.2349C>T, p.Ala783= (NM_001354259.2); c.2421C>T, p.Ala807= (NM_001354263.2).
Identifiers: ClinVar variation 497756 (VCV000497756.24), dbSNP rs772286870, ClinGen allele CA5374947.